The following is an entry in ClinVar:

NM_002430.3(MN1):c.1499C>G (p.Pro500Arg)

Gene: MN1 (MN1 proto-oncogene, transcriptional regulator; minus strand). Cytogenetic location: 22q12.1.
Variant type: single nucleotide variant.
Coding change: c.1499C>G on transcript NM_002430.3 (MANE Select); coding-DNA position 1499, C replaced by G.
Protein change: p.Pro500Arg; replaces proline 500 with arginine.
Molecular consequence: missense variant.
Genome position (GRCh38, 1-based): chr22:27,799,045, G>C on the plus strand (C>G on the coding strand, the complement: MN1 is on the minus strand). VCF-style: chr22-27799045-G-C. GRCh37 (hg19) VCF-style: chr22-28195033-G-C.
Other names: short protein forms P500R.
Identifiers: ClinVar variation 4085828 (VCV004085828.8).

ClinVar aggregate classification (germline): Uncertain significance (1 of 4 stars; one submission).

Submission:

CeGaT Center for Human Genetics Tuebingen
Classification: Uncertain significance. Last evaluated: 2025-08-01. Review status: criteria provided, single submitter. Criteria: CeGaT Center For Human Genetics Tuebingen Variant Classification Criteria Version 2. Collection method: clinical testing. Allele origin: germline. Affected: yes. Observed: 1 variant allele.
Comment: MN1: PM2, BP1